The following is an entry in ClinVar:

NM_001164508.2(NEB):c.203G>A (p.Arg68Lys)

Gene: NEB (nebulin; minus strand). Cytogenetic location: 2q23.3.
Variant type: single nucleotide variant.
Coding change: c.203G>A on transcript NM_001164508.2 (MANE Select); coding-DNA position 203, G replaced by A.
Protein change: p.Arg68Lys; replaces arginine 68 with lysine.
Molecular consequence: missense variant.
Genome position (GRCh38, 1-based): chr2:151,727,782, C>T on the plus strand (G>A on the coding strand, the complement: NEB is on the minus strand). VCF-style: chr2-151727782-C-T. GRCh37 (hg19) VCF-style: chr2-152584296-C-T.
Other names: c.203G>A, p.Arg68Lys (NM_001164507.2, NM_001271208.2, NM_004543.5); c.203G>A (NM_004543.4); short protein forms R68K.
Identifiers: ClinVar variation 424166 (VCV000424166.9), dbSNP rs1014627144, ClinGen allele CA16617249.

ClinVar aggregate classification (germline): Conflicting classifications of pathogenicity. Review status: criteria provided, conflicting classifications (1 of 4 stars). 4 submissions from 4 submitters: Uncertain significance (1); Likely benign (2). 1 of the submissions does not count toward it. Last evaluated 2025-07-27.

Conditions:
Nemaline myopathy 2 (NEM2). Also called: Nemaline myopathy 2, autosomal recessive. Identifiers: MedGen C1850569, MONDO:0009725, OMIM 256030.
Inborn genetic diseases. Identifiers: MedGen C0950123, MeSH D030342.

Allele frequency attached by ClinVar (database versions not stated): gnomAD 0.00001; gnomAD exomes 0.00001 and 0.00002; TOPMed 0.00002.
gnomAD v4.1: 21 of 1,613,528 alleles (0.0013%); highest among the groups gnomAD compares: Middle Eastern, 0.016%; no homozygotes.

Submissions (4):

Labcorp Genetics (formerly Invitae), Labcorp
Classification: Likely benign for Nemaline myopathy 2. Last evaluated: 2025-07-27. Review status: criteria provided, single submitter. Criteria: Invitae Variant Classification Sherloc (09022015). Collection method: clinical testing. Allele origin: germline.

Ambry Genetics
Classification: Uncertain significance for Inborn genetic diseases. Last evaluated: 2023-04-18. Review status: criteria provided, single submitter. Criteria: Ambry Variant Classification Scheme 2023. Collection method: clinical testing. Allele origin: germline.

GeneDx
Classification: Likely benign. Last evaluated: 2019-04-01. Review status: criteria provided, single submitter. Criteria: GeneDx Variant Classification Process June 2021. Collection method: clinical testing. Allele origin: germline. Affected: yes.
Comment: Has not been previously published as pathogenic or benign to our knowledge; Missense variant in a gene in which most reported pathogenic variants are truncating/loss-of-function; In silico analysis, which includes protein predictors and evolutionary conservation, supports that this variant does not alter protein structure/function; Not observed in large population cohorts (Lek et al., 2016)

Natera, Inc.
Classification: Uncertain significance for Nemaline myopathy type 2. Last evaluated: 2020-01-17. Review status: no assertion criteria provided. Collection method: clinical testing. Allele origin: germline. Not counted in ClinVar's aggregate classification.